The following is an entry in ClinVar:

NM_002180.3(IGHMBP2):c.912+236A>G

Gene: IGHMBP2 (immunoglobulin mu DNA binding protein 2; plus strand). Cytogenetic location: 11q13.3.
Variant type: single nucleotide variant.
Coding change: c.912+236A>G on transcript NM_002180.3 (MANE Select); 236 bases into the intron after coding-DNA position 912, A replaced by G.
Molecular consequence: intron variant.
Genome position (GRCh38, 1-based): chr11:68,915,259, A>G. VCF-style: chr11-68915259-A-G. GRCh37 (hg19) VCF-style: chr11-68682727-A-G.
Identifiers: ClinVar variation 677265 (VCV000677265.1), dbSNP rs144764889, ClinGen allele CA16420213.
Genomic context (GRCh38, chr11:68,915,259, plus strand): 5'-GACAGAGTTTTGCTCTCATTGCTCAGGCTGGAGTGCAGTGGTGCAATCTCGGCTCACTGC[A>G]ACCTCTGCCTCCTGGGTTCAAGCGATTCTCCTGCCTCAGCCTCCCTAGTAGCTGGGACTG-3'

ClinVar aggregate classification (germline): Benign (1 of 4 stars; one submission).

Allele frequency attached by ClinVar (database versions not stated): 1000 Genomes Project 0.03694; gnomAD 0.03793 and 0.04042; TOPMed 0.03948; 1000 Genomes Project 30x 0.04044.
gnomAD v4.1: 5,117 of 135,706 alleles (3.8%); highest among the groups gnomAD compares: African/African-American, 13%; 303 homozygotes.

Submission:

GeneDx
Classification: Benign. Last evaluated: 2018-06-16. Review status: criteria provided, single submitter. Criteria: GeneDx Variant Classification (06012015). Collection method: clinical testing. Allele origin: germline. Affected: yes.
Comment: This variant is considered likely benign or benign based on one or more of the following criteria: it is a conservative change, it occurs at a poorly conserved position in the protein, it is predicted to be benign by multiple in silico algorithms, and/or has population frequency not consistent with disease.